The following is an entry in ClinVar:

NM_022455.5(NSD1):c.8032C>G (p.Leu2678Val)

Gene: NSD1 (nuclear receptor binding SET domain protein 1; plus strand). Cytogenetic location: 5q35.3.
Variant type: single nucleotide variant.
Coding change: c.8032C>G on transcript NM_022455.5 (MANE Select); coding-DNA position 8032, C replaced by G.
Protein change: p.Leu2678Val; replaces leucine 2678 with valine.
Molecular consequence: missense variant.
Genome position (GRCh38, 1-based): chr5:177,295,400, C>G. VCF-style: chr5-177295400-C-G. GRCh37 (hg19) VCF-style: chr5-176722401-C-G.
Other names: c.7159C>G, p.Leu2387Val (NM_001365684.2, NM_001409308.1, NM_172349.5); c.8032C>G, p.Leu2678Val (NM_001409301.1, NM_001409302.1, NM_001409303.1); c.7612C>G, p.Leu2538Val (NM_001409304.1); c.7279C>G, p.Leu2427Val (NM_001409305.1); c.7270C>G, p.Leu2424Val (NM_001409306.1, NM_001409307.1); c.6910C>G, p.Leu2304Val (NM_001409309.1); short protein forms L2409V, L2678V, L2424V, L2387V, L2427V, L2538V, L2304V.
Identifiers: ClinVar variation 1313890 (VCV001313890.2), dbSNP rs2127285369, ClinGen allele CA362335531.

ClinVar aggregate classification (germline): Uncertain significance (1 of 4 stars; one submission).

Submission:

GeneDx
Classification: Uncertain significance. Last evaluated: 2021-01-08. Review status: criteria provided, single submitter. Criteria: GeneDx Variant Classification Process June 2021. Collection method: clinical testing. Allele origin: germline. Affected: yes.
Comment: Not observed in large population cohorts (Lek et al., 2016); In silico analysis supports that this missense variant does not alter protein structure/function; Has not been previously published as pathogenic or benign to our knowledge